The following is an entry in ClinVar:

ClinVar aggregate classification (germline): Uncertain significance (1 of 4 stars; one submission).

Submission:

Ambry Genetics
Classification: Uncertain significance. Last evaluated: 2021-07-09. Review status: criteria provided, single submitter. Criteria: Ambry Variant Classification Scheme 2023. Collection method: clinical testing. Allele origin: germline.
Comment: The p.D1504E variant (also known as c.4512C>G), located in coding exon 35 of the PRKDC gene, results from a C to G substitution at nucleotide position 4512. The aspartic acid at codon 1504 is replaced by glutamic acid, an amino acid with highly similar properties. This amino acid position is conserved. In addition, this alteration is predicted to be tolerated by in silico analysis. Since supporting evidence is limited at this time, the clinical significance of this alteration remains unclear.

NM_006904.7(PRKDC):c.4512C>G (p.Asp1504Glu)

Gene: PRKDC (protein kinase, DNA-activated, catalytic subunit; minus strand). Cytogenetic location: 8q11.21.
Variant type: single nucleotide variant.
Coding change: c.4512C>G on transcript NM_006904.7 (MANE Select); coding-DNA position 4512, C replaced by G.
Protein change: p.Asp1504Glu; replaces aspartic acid 1504 with glutamic acid.
Molecular consequence: missense variant.
Genome position (GRCh38, 1-based): chr8:47,887,607, G>C on the plus strand (C>G on the coding strand, the complement: PRKDC is on the minus strand). VCF-style: chr8-47887607-G-C. GRCh37 (hg19) VCF-style: chr8-48800168-G-C.
Other names: c.4512C>G, p.Asp1504Glu (NM_001081640.2); short protein forms D1504E.
Identifiers: ClinVar variation 1741137 (VCV001741137.2), dbSNP rs927400387, ClinGen allele CA371143885.